The following is an entry in ClinVar:

ClinVar aggregate classification (germline): Likely benign. Review status: criteria provided, multiple submitters, no conflicts (2 of 4 stars). 2 submissions from 2 submitters: Likely benign (2). Last evaluated 2025-07-14.

Conditions:
Progressive myositis ossificans (FOP). Also called: Myositis ossificans progressiva; Progressive ossifying myositis; Fibrodysplasia Ossificans Progressiva. Identifiers: Orphanet 337, MedGen C0016037, MONDO:0007606, OMIM 135100.

Allele frequency attached by ClinVar (database versions not stated): ExAC 0.00003; gnomAD exomes 0.00004; gnomAD 0.00007; TOPMed 0.00007; ESP Exome Variant Server 0.00008.
gnomAD v4.1: 97 of 1,613,964 alleles (0.006%); highest among the groups gnomAD compares: Non-Finnish European, 0.0075%; no homozygotes.

Submissions (2):

Labcorp Genetics (formerly Invitae), Labcorp
Classification: Likely benign. Last evaluated: 2025-07-14. Review status: criteria provided, single submitter. Criteria: Invitae Variant Classification Sherloc (09022015). Collection method: clinical testing. Allele origin: germline.

Illumina Laboratory Services, Illumina
Classification: Likely benign for Progressive myositis ossificans. Last evaluated: 2018-01-12. Review status: criteria provided, single submitter. Criteria: ICSL Variant Classification Criteria 13 December 2019. Collection method: clinical testing. Allele origin: germline.
Comment: This variant was observed in the ICSL laboratory as part of a predisposition screen in an ostensibly healthy population. It had not been previously curated by ICSL or reported in the Human Gene Mutation Database (HGMD: prior to June 1st, 2018), and was therefore a candidate for classification through an automated scoring system. Utilizing variant allele frequency, disease prevalence and penetrance estimates, and inheritance mode, an automated score was calculated to assess if this variant is too frequent to cause the disease. Based on the score and internal cut-off values, a variant classified as likely benign is not then subjected to further curation. The score for this variant resulted in a classification of likely benign for this disease.

NM_001111067.4(ACVR1):c.561G>A (p.Ser187=)

Gene: ACVR1 (activin A receptor type 1; minus strand). Cytogenetic location: 2q24.1.
Variant type: single nucleotide variant.
Coding change: c.561G>A on transcript NM_001111067.4 (MANE Select); coding-DNA position 561, G replaced by A.
Protein change: p.Ser187=; no amino-acid change (serine 187 retained).
Molecular consequence: synonymous variant.
Genome position (GRCh38, 1-based): chr2:157,774,170, C>T on the plus strand (G>A on the coding strand, the complement: ACVR1 is on the minus strand). VCF-style: chr2-157774170-C-T. GRCh37 (hg19) VCF-style: chr2-158630682-C-T.
Other names: c.561G>A, p.Ser187= (NM_001105.5, NM_001347663.1, NM_001347664.1 and 3 more transcripts).
Identifiers: ClinVar variation 331695 (VCV000331695.13), dbSNP rs377367232, ClinGen allele CA1919116.